The following is an entry in ClinVar:

ClinVar aggregate classification (germline): Uncertain significance (1 of 4 stars; one submission).

Submission:

Labcorp Genetics (formerly Invitae), Labcorp
Classification: Uncertain significance. Last evaluated: 2022-08-06. Review status: criteria provided, single submitter. Criteria: Invitae Variant Classification Sherloc (09022015). Collection method: clinical testing. Allele origin: germline.
Comment: In summary, the available evidence is currently insufficient to determine the role of this variant in disease. Therefore, it has been classified as a Variant of Uncertain Significance. Algorithms developed to predict the effect of missense changes on protein structure and function are either unavailable or do not agree on the potential impact of this missense change (SIFT: "Not Available"; PolyPhen-2: "Probably Damaging"; Align-GVGD: "Not Available"). This variant has not been reported in the literature in individuals affected with VPS13D-related conditions. This variant is not present in population databases (gnomAD no frequency). This sequence change replaces leucine, which is neutral and non-polar, with arginine, which is basic and polar, at codon 3436 of the VPS13D protein (p.Leu3436Arg).

NM_015378.4(VPS13D):c.10307T>G (p.Leu3436Arg)

Gene: VPS13D (vacuolar protein sorting 13 homolog D; plus strand). Cytogenetic location: 1p36.22.
Variant type: single nucleotide variant.
Coding change: c.10307T>G on transcript NM_015378.4 (MANE Select); coding-DNA position 10307, T replaced by G.
Protein change: p.Leu3436Arg; replaces leucine 3436 with arginine.
Molecular consequence: missense variant.
Genome position (GRCh38, 1-based): chr1:12,363,106, T>G. VCF-style: chr1-12363106-T-G. GRCh37 (hg19) VCF-style: chr1-12423162-T-G.
Other names: c.10232T>G, p.Leu3411Arg (NM_018156.4); short protein forms L3411R, L3436R.
Identifiers: ClinVar variation 1955172 (VCV001955172.5), dbSNP rs2524408003, ClinGen allele CA338497680.